The following is an entry in ClinVar:

NM_016070.4(MRPS23):c.41C>T (p.Ser14Phe)

Gene: MRPS23 (mitochondrial ribosomal protein S23; minus strand). Cytogenetic location: 17q22.
Variant type: single nucleotide variant.
Coding change: c.41C>T on transcript NM_016070.4 (MANE Select); coding-DNA position 41, C replaced by T.
Protein change: p.Ser14Phe; replaces serine 14 with phenylalanine.
Molecular consequence: missense variant.
Genome position (GRCh38, 1-based): chr17:57,849,970, G>A on the plus strand (C>T on the coding strand, the complement: MRPS23 is on the minus strand). VCF-style: chr17-57849970-G-A. GRCh37 (hg19) VCF-style: chr17-55927331-G-A.
Other names: c.41C>T (NM_016070.3); short protein forms S14F.
Identifiers: ClinVar variation 1348587 (VCV001348587.7), dbSNP rs369458033, ClinGen allele CA8666820.

ClinVar aggregate classification (germline): Uncertain significance. Review status: criteria provided, multiple submitters, no conflicts (2 of 4 stars). 2 submissions from 2 submitters: Uncertain significance (2). Last evaluated 2024-02-12.

Allele frequency attached by ClinVar (database versions not stated): TOPMed 0.00005; gnomAD 0.00006 and 0.00007; gnomAD exomes 0.00007; ExAC 0.00013; ESP Exome Variant Server 0.00015.

Submissions (2):

Ambry Genetics
Classification: Uncertain significance. Last evaluated: 2024-02-12. Review status: criteria provided, single submitter. Criteria: Ambry Variant Classification Scheme 2023. Collection method: clinical testing. Allele origin: germline.

Labcorp Genetics (formerly Invitae), Labcorp
Classification: Uncertain significance. Last evaluated: 2023-02-04. Review status: criteria provided, single submitter. Criteria: Invitae Variant Classification Sherloc (09022015). Collection method: clinical testing. Allele origin: germline.
Comment: In summary, the available evidence is currently insufficient to determine the role of this variant in disease. Therefore, it has been classified as a Variant of Uncertain Significance. Algorithms developed to predict the effect of missense changes on protein structure and function (SIFT, PolyPhen-2, Align-GVGD) all suggest that this variant is likely to be disruptive. ClinVar contains an entry for this variant (Variation ID: 1348587). This variant has not been reported in the literature in individuals affected with MRPS23-related conditions. This variant is present in population databases (rs369458033, gnomAD 0.04%). This sequence change replaces serine, which is neutral and polar, with phenylalanine, which is neutral and non-polar, at codon 14 of the MRPS23 protein (p.Ser14Phe).